The following is an entry in ClinVar:

ClinVar aggregate classification (germline): Uncertain significance (1 of 4 stars; one submission).

Conditions:
CUL4B-related disorder. Also called: CUL4B-related condition.

Submission:

PreventionGenetics, part of Exact Sciences
Classification: Uncertain significance for CUL4B-related condition. Last evaluated: 2025-08-19. Review status: criteria provided, single submitter. Criteria: ACMG Guidelines, 2015. Collection method: clinical testing. Allele origin: germline.
Comment: The CUL4B c.1421C>T variant is predicted to result in the amino acid substitution p.Ser474Phe. To our knowledge, this variant has not been reported in the literature or in a large population database (gnomAD), indicating this variant is rare. At this time, the clinical significance of this variant is uncertain due to the absence of conclusive functional and genetic evidence.

NM_001079872.2(CUL4B):c.1367C>T (p.Ser456Phe)

Gene: CUL4B (cullin 4B; minus strand). Cytogenetic location: Xq24.
Variant type: single nucleotide variant.
Coding change: c.1367C>T on transcript NM_001079872.2 (MANE Select); coding-DNA position 1367, C replaced by T.
Protein change: p.Ser456Phe; replaces serine 456 with phenylalanine.
Molecular consequence: missense variant.
Genome position (GRCh38, 1-based): chrX:120,541,678, G>A on the plus strand (C>T on the coding strand, the complement: CUL4B is on the minus strand). VCF-style: chrX-120541678-G-A. GRCh37 (hg19) VCF-style: chrX-119675533-G-A.
Other names: c.1382C>T, p.Ser461Phe (NM_001330624.2); c.833C>T, p.Ser278Phe (NM_001369145.1); c.1421C>T, p.Ser474Phe (NM_003588.4); short protein forms S278F, S456F, S461F, S474F.
Identifiers: ClinVar variation 2630972 (VCV002630972.2), dbSNP rs2521106780, ClinGen allele CA414197242.